The following is an entry in ClinVar:

ClinVar aggregate classification (germline): Uncertain significance. Review status: criteria provided, multiple submitters, no conflicts (2 of 4 stars). 2 submissions from 2 submitters: Uncertain significance (2). Last evaluated 2026-01-28.

Conditions:
Pontocerebellar hypoplasia type 3 (PCH3). Also called: PCH WITH OPTIC ATROPHY; CEREBELLAR ATROPHY WITH PROGRESSIVE MICROCEPHALY. Identifiers: Orphanet 97249, MedGen C1842687, MONDO:0011948, OMIM 608027.

Submissions (2):

Women's Health and Genetics/Laboratory Corporation of America, LabCorp
Classification: Uncertain significance. Last evaluated: 2026-01-28. Review status: criteria provided, single submitter. Criteria: LabCorp Variant Classification Summary - May 2015. Collection method: clinical testing. Allele origin: germline.
Comment: Variant summary: PCLO c.3751G>A (p.Glu1251Lys) results in a conservative amino acid change in the encoded protein sequence. Algorithms developed to predict the effect of missense changes on protein structure and function all suggest that this variant is likely to be tolerated. The variant was absent in 248652 control chromosomes. The available data on variant occurrences in the general population are insufficient to allow any conclusion about variant significance. To our knowledge, no occurrence of c.3751G>A in individuals affected with PCLO-related conditions and no experimental evidence demonstrating its impact on protein function have been reported. ClinVar contains an entry for this variant (Variation ID: 3764598). Based on the evidence outlined above, the variant was classified as uncertain significance.

Daryl Scott Lab, Baylor College of Medicine
Classification: Uncertain significance for Pontocerebellar hypoplasia type 3. Last evaluated: 2024-01-01. Review status: criteria provided, single submitter. Criteria: ACMG Guidelines, 2015. Collection method: clinical testing. Allele origin: maternal. Observed: 1 heterozygote.
Comment: PM2

NM_033026.6(PCLO):c.3751G>A (p.Glu1251Lys)

Gene: PCLO (piccolo presynaptic cytomatrix protein; minus strand). Cytogenetic location: 7q21.11.
Variant type: single nucleotide variant.
Coding change: c.3751G>A on transcript NM_033026.6 (MANE Select); coding-DNA position 3751, G replaced by A.
Protein change: p.Glu1251Lys; replaces glutamic acid 1251 with lysine.
Molecular consequence: missense variant.
Genome position (GRCh38, 1-based): chr7:82,966,037, C>T on the plus strand (G>A on the coding strand, the complement: PCLO is on the minus strand). VCF-style: chr7-82966037-C-T. GRCh37 (hg19) VCF-style: chr7-82595353-C-T.
Other names: c.3751G>A, p.Glu1251Lys (NM_014510.3); short protein forms E1251K.
Identifiers: ClinVar variation 3764598 (VCV003764598.2).
Genomic context (GRCh38, chr7:82,966,037, plus strand): 5'-TTTGTACTTGAGATTTAAGTAAGTCATGTTTCTGTTCTTCTGGGGCTGATGTTTTTGCCT[C>T]TGGGAGTAGCTTTTTGTCTTCAGGGGTTGGCTTTTTTTCTTCTAGGAGTGGCTTTTTTTC-3'
Protein context (NP_149015.2, residues 1241-1261): PTPEDKKLLP[Glu1251Lys]AKTSAPEEQK